The following is an entry in ClinVar:

NM_003764.4(STX11):c.444G>T (p.Gln148His)

Gene: STX11 (syntaxin 11; plus strand). Cytogenetic location: 6q24.2.
Variant type: single nucleotide variant.
Coding change: c.444G>T on transcript NM_003764.4 (MANE Select); coding-DNA position 444, G replaced by T.
Protein change: p.Gln148His; replaces glutamine 148 with histidine.
Molecular consequence: missense variant.
Genome position (GRCh38, 1-based): chr6:144,187,071, G>T. VCF-style: chr6-144187071-G-T. GRCh37 (hg19) VCF-style: chr6-144508208-G-T.
Other names: short protein forms Q148H.
Identifiers: ClinVar variation 1392907 (VCV001392907.7), dbSNP rs1281896626, ClinGen allele CA365949247.

ClinVar aggregate classification (germline): Uncertain significance (1 of 4 stars; one submission).

Conditions:
Familial hemophagocytic lymphohistiocytosis 4 (FHL4). Also called: STX11-Related Familial Hemophagocytic Lymphohistiocytosis (STX11-fHLH). Identifiers: Orphanet 540, MedGen C1863728, MONDO:0011336, OMIM 603552.

Allele frequency attached by ClinVar (database versions not stated): gnomAD exomes below 0.00001; TOPMed below 0.00001.
gnomAD v4.1: 1 of 1,613,568 alleles (0.000062%); highest among the groups gnomAD compares: Admixed American, 0.0017%; no homozygotes.

Submission:

Labcorp Genetics (formerly Invitae), Labcorp
Classification: Uncertain significance for Familial hemophagocytic lymphohistiocytosis 4. Last evaluated: 2024-10-16. Review status: criteria provided, single submitter. Criteria: Invitae Variant Classification Sherloc (09022015). Collection method: clinical testing. Allele origin: germline.
Comment: This sequence change replaces glutamine, which is neutral and polar, with histidine, which is basic and polar, at codon 148 of the STX11 protein (p.Gln148His). This variant is not present in population databases (gnomAD no frequency). This variant has not been reported in the literature in individuals affected with STX11-related conditions. ClinVar contains an entry for this variant (Variation ID: 1392907). Invitae Evidence Modeling of protein sequence and biophysical properties (such as structural, functional, and spatial information, amino acid conservation, physicochemical variation, residue mobility, and thermodynamic stability) indicates that this missense variant is not expected to disrupt STX11 protein function with a negative predictive value of 80%. In summary, the available evidence is currently insufficient to determine the role of this variant in disease. Therefore, it has been classified as a Variant of Uncertain Significance.